The following is an entry in ClinVar:

ClinVar aggregate classification (germline): Likely benign (1 of 4 stars; one submission).

Allele frequency attached by ClinVar (database versions not stated): TOPMed below 0.00001; gnomAD 0.00003.
gnomAD v4.1: 19 of 1,606,272 alleles (0.0012%); highest among the groups gnomAD compares: Non-Finnish European, 0.0015%; no homozygotes.

Submission:

GeneDx
Classification: Likely benign. Last evaluated: 2017-08-03. Review status: criteria provided, single submitter. Criteria: GeneDx Variant Classification (06012015). Collection method: clinical testing. Allele origin: germline. Affected: yes.
Comment: This variant is considered likely benign or benign based on one or more of the following criteria: it is a conservative change, it occurs at a poorly conserved position in the protein, it is predicted to be benign by multiple in silico algorithms, and/or has population frequency not consistent with disease.

NM_001271.4(CHD2):c.1719+16G>C

Gene: CHD2 (chromodomain helicase DNA binding protein 2; plus strand). Cytogenetic location: 15q26.1.
Variant type: single nucleotide variant.
Coding change: c.1719+16G>C on transcript NM_001271.4 (MANE Select); 16 bases into the intron after coding-DNA position 1719, G replaced by C.
Molecular consequence: intron variant.
Genome position (GRCh38, 1-based): chr15:92,953,589, G>C. VCF-style: chr15-92953589-G-C. GRCh37 (hg19) VCF-style: chr15-93496819-G-C.
Identifiers: ClinVar variation 511241 (VCV000511241.1), dbSNP rs755236242, ClinGen allele CA7747849.